The following is an entry in ClinVar:

ClinVar aggregate classification (germline): Uncertain significance (1 of 4 stars; one submission).

gnomAD v4.1: 3 of 1,612,710 alleles (0.00019%); highest among the groups gnomAD compares: South Asian, 0.0011%; no homozygotes.

Submission:

Ambry Genetics
Classification: Uncertain significance. Last evaluated: 2024-10-18. Review status: criteria provided, single submitter. Criteria: Ambry Variant Classification Scheme 2023. Collection method: clinical testing. Allele origin: germline.
Comment: The p.K380N variant (also known as c.1140G>T), located in coding exon 9 of the RECQL gene, results from a G to T substitution at nucleotide position 1140. The lysine at codon 380 is replaced by asparagine, an amino acid with similar properties. This amino acid position is conserved. In addition, the in silico prediction for this alteration is inconclusive. Based on the available evidence, the clinical significance of this variant remains unclear.

NM_002907.4(RECQL):c.1140G>T (p.Lys380Asn)

Gene: RECQL (RecQ like helicase; minus strand). Cytogenetic location: 12p12.1.
Variant type: single nucleotide variant.
Coding change: c.1140G>T on transcript NM_002907.4 (MANE Select); coding-DNA position 1140, G replaced by T.
Protein change: p.Lys380Asn; replaces lysine 380 with asparagine.
Molecular consequence: missense variant.
Genome position (GRCh38, 1-based): chr12:21,475,544, C>A on the plus strand (G>T on the coding strand, the complement: RECQL is on the minus strand). VCF-style: chr12-21475544-C-A. GRCh37 (hg19) VCF-style: chr12-21628478-C-A.
Other names: c.1140G>T, p.Lys380Asn (NM_032941.3); short protein forms K380N.
Identifiers: ClinVar variation 3431810 (VCV003431810.1).